The following is an entry in ClinVar:

ClinVar aggregate classification (germline): Benign. Review status: criteria provided, multiple submitters, no conflicts (2 of 4 stars). 3 submissions from 3 submitters: Benign (3). Last evaluated 2024-01-24.

Allele frequency attached by ClinVar (database versions not stated): TOPMed 0.67488; gnomAD exomes 0.71481; 1000 Genomes Project 0.53415; gnomAD 0.68267 and 0.70240; 1000 Genomes Project 30x 0.54279.
gnomAD v4.1: 104,130 of 152,352 alleles (68%); highest among the groups gnomAD compares: Non-Finnish European, 73%; 36,551 homozygotes.

Submissions (12):

Unidad de Genómica Garrahan, Hospital de Pediatría Garrahan
Classification: Benign. Last evaluated: 2024-01-24. Review status: criteria provided, single submitter. Criteria: ACMG Guidelines, 2015. Collection method: clinical testing. Allele origin: germline. Affected: no. Observed: 73 variant alleles.
Comment: This variant is classified as Benign based on local population frequency. This variant was detected in 77% of patients studied by a panel of primary immunodeficiencies. Number of patients: 73. Only high quality variants are reported.

GeneDx
Classification: Benign. Last evaluated: 2018-06-23. Review status: criteria provided, single submitter. Criteria: GeneDx Variant Classification Process June 2021. Collection method: clinical testing. Allele origin: germline. Affected: yes.

Breakthrough Genomics
Classification: Benign. Review status: criteria provided, single submitter. Criteria: ACMG Guidelines, 2015. Collection method: not provided. Allele origin: germline. Inheritance: Autosomal recessive inheritance. Affected: yes.

Dr. Peter K. Rogan Lab, Western University
No classification provided (evidence only). Condition: Uterine corpus endometrial carcinoma. Review status: no classification provided. Collection method: in vitro. Allele origin: not applicable. Functional consequence: retained intron. Not counted in ClinVar's aggregate classification.

Dr. Peter K. Rogan Lab, Western University
No classification provided (evidence only). Condition: Uterine corpus endometrial carcinoma. Review status: no classification provided. Collection method: in vitro. Allele origin: not applicable. Functional consequence: retained intron. Not counted in ClinVar's aggregate classification.

Dr. Peter K. Rogan Lab, Western University
No classification provided (evidence only). Condition: Ovarian serous cystadenocarcinoma. Review status: no classification provided. Collection method: in vitro. Allele origin: not applicable. Functional consequence: retained intron. Not counted in ClinVar's aggregate classification.

Dr. Peter K. Rogan Lab, Western University
No classification provided (evidence only). Condition: Ovarian serous cystadenocarcinoma. Review status: no classification provided. Collection method: in vitro. Allele origin: not applicable. Functional consequence: retained intron. Not counted in ClinVar's aggregate classification.

Dr. Peter K. Rogan Lab, Western University
No classification provided (evidence only). Condition: Ovarian serous cystadenocarcinoma. Review status: no classification provided. Collection method: in vitro. Allele origin: not applicable. Functional consequence: retained intron. Not counted in ClinVar's aggregate classification.

Dr. Peter K. Rogan Lab, Western University
No classification provided (evidence only). Condition: Ovarian serous cystadenocarcinoma. Review status: no classification provided. Collection method: in vitro. Allele origin: not applicable. Functional consequence: retained intron. Not counted in ClinVar's aggregate classification.

Dr. Peter K. Rogan Lab, Western University
No classification provided (evidence only). Condition: Ovarian serous cystadenocarcinoma. Review status: no classification provided. Collection method: in vitro. Allele origin: not applicable. Functional consequence: retained intron. Not counted in ClinVar's aggregate classification.

Dr. Peter K. Rogan Lab, Western University
No classification provided (evidence only). Condition: Uterine carcinosarcoma. Review status: no classification provided. Collection method: in vitro. Allele origin: not applicable. Functional consequence: retained intron. Not counted in ClinVar's aggregate classification.

Dr. Peter K. Rogan Lab, Western University
No classification provided (evidence only). Condition: Malignant tumor of esophagus. Review status: no classification provided. Collection method: in vitro. Allele origin: not applicable. Functional consequence: retained intron. Not counted in ClinVar's aggregate classification.

NM_001079.4(ZAP70):c.-101+81A>G

Gene: ZAP70 (zeta chain of T cell receptor associated protein kinase 70; plus strand). Cytogenetic location: 2q11.2.
Variant type: single nucleotide variant.
Coding change: c.-101+81A>G on transcript NM_001079.4 (MANE Select); 81 bases into the intron after 101 bases upstream of the start codon, A replaced by G.
Molecular consequence: intron variant.
Genome position (GRCh38, 1-based): chr2:97,713,755, A>G. VCF-style: chr2-97713755-A-G. GRCh37 (hg19) VCF-style: chr2-98330218-A-G.
Other names: NC_000002.11:g.98330218A>G.
Identifiers: ClinVar variation 1226084 (VCV001226084.7), dbSNP rs2276644, ClinGen allele CA11338241.